The following is an entry in ClinVar:

NM_002641.4(PIGA):c.1433A>G (p.Asn478Ser)

Gene: PIGA (phosphatidylinositol glycan anchor biosynthesis class A; minus strand). Cytogenetic location: Xp22.2.
Variant type: single nucleotide variant.
Coding change: c.1433A>G on transcript NM_002641.4 (MANE Select); coding-DNA position 1433, A replaced by G.
Protein change: p.Asn478Ser; replaces asparagine 478 with serine.
Molecular consequence: missense variant. On other transcripts: non-coding transcript variant (2).
Genome position (GRCh38, 1-based): chrX:15,321,528, T>C on the plus strand (A>G on the coding strand, the complement: PIGA is on the minus strand). VCF-style: chrX-15321528-T-C. GRCh37 (hg19) VCF-style: chrX-15339650-T-C.
Other names: c.731A>G, p.Asn244Ser (NM_020473.3); short protein forms N244S, N478S.
Identifiers: ClinVar variation 3618901 (VCV003618901.3).
Genomic context (GRCh38, chrX:15,321,528, plus strand): 5'-ATTACAAATGTTTAAAATCTTACAATCTAGGCTTCCTTCTACCTGGTTTCAGATATCTCA[T>C]TATTCTCACCCCCTCTTTTACTGTGAGAATAGTTATTAGTCCAGGCACCCCGTGGCCCAG-3'
Protein context (NP_002632.1, residues 468-484): YSHSKRGGEN[Asn478Ser]EISETR

ClinVar aggregate classification (germline): Conflicting classifications of pathogenicity. Review status: criteria provided, conflicting classifications (1 of 4 stars). 2 submissions from 2 submitters: Uncertain significance (1); Likely benign (1). Last evaluated 2025-09-16.

Conditions:
Inborn genetic diseases. Identifiers: MedGen C0950123, MeSH D030342.
Multiple congenital anomalies-hypotonia-seizures syndrome 2 (MCAHS2). Also called: EPILEPTIC ENCEPHALOPATHY, EARLY INFANTILE, 20; GLYCOSYLPHOSPHATIDYLINOSITOL BIOSYNTHESIS DEFECT 4. Identifiers: Orphanet 300496, MedGen C3275508, MONDO:0010466, OMIM 300868.

gnomAD v4.1: 1 of 1,207,561 alleles (0.000083%); highest among the groups gnomAD compares: Non-Finnish European, 0.00011%; no homozygotes.

Submissions (2):

Ambry Genetics
Classification: Likely benign for Inborn genetic diseases. Last evaluated: 2025-09-16. Review status: criteria provided, single submitter. Criteria: Ambry Variant Classification Scheme 2023. Collection method: clinical testing. Allele origin: germline.

Labcorp Genetics (formerly Invitae), Labcorp
Classification: Uncertain significance for Multiple congenital anomalies-hypotonia-seizures syndrome 2. Last evaluated: 2024-10-15. Review status: criteria provided, single submitter. Criteria: Invitae Variant Classification Sherloc (09022015). Collection method: clinical testing. Allele origin: germline.
Comment: This sequence change replaces asparagine, which is neutral and polar, with serine, which is neutral and polar, at codon 478 of the PIGA protein (p.Asn478Ser). This variant is not present in population databases (gnomAD no frequency). This variant has not been reported in the literature in individuals affected with PIGA-related conditions. Invitae Evidence Modeling of protein sequence and biophysical properties (such as structural, functional, and spatial information, amino acid conservation, physicochemical variation, residue mobility, and thermodynamic stability) indicates that this missense variant is not expected to disrupt PIGA protein function with a negative predictive value of 95%. In summary, the available evidence is currently insufficient to determine the role of this variant in disease. Therefore, it has been classified as a Variant of Uncertain Significance.